The following is an entry in ClinVar:

NM_012452.3(TNFRSF13B):c.649G>A (p.Gly217Ser)

Gene: TNFRSF13B (TNF receptor superfamily member 13B; minus strand). Cytogenetic location: 17p11.2.
Variant type: single nucleotide variant.
Coding change: c.649G>A on transcript NM_012452.3 (MANE Select); coding-DNA position 649, G replaced by A.
Protein change: p.Gly217Ser; replaces glycine 217 with serine.
Molecular consequence: missense variant.
Genome position (GRCh38, 1-based): chr17:16,939,780, C>T on the plus strand (G>A on the coding strand, the complement: TNFRSF13B is on the minus strand). VCF-style: chr17-16939780-C-T. GRCh37 (hg19) VCF-style: chr17-16843094-C-T.
Other names: short protein forms G217S.
Identifiers: ClinVar variation 1461862 (VCV001461862.8), dbSNP rs567602037, ClinGen allele CA8413890.

ClinVar aggregate classification (germline): Uncertain significance (1 of 4 stars; one submission).

Conditions:
Immunodeficiency, common variable, 2 (CVID2). Also called: HYPOGAMMAGLOBULINEMIA DUE TO TACI DEFICIENCY; ANTIBODY DEFICIENCY DUE TO TACI DEFECT. Identifiers: Orphanet 1572, MedGen C3150354, MONDO:0009413, OMIM 240500.

Allele frequency attached by ClinVar (database versions not stated): gnomAD 0.00001; gnomAD exomes 0.00001; TOPMed 0.00002.

Submission:

Labcorp Genetics (formerly Invitae), Labcorp
Classification: Uncertain significance for Immunodeficiency, common variable, 2. Last evaluated: 2026-01-05. Review status: criteria provided, single submitter. Criteria: Invitae Variant Classification Sherloc (09022015). Collection method: clinical testing. Allele origin: germline.
Comment: This sequence change replaces glycine, which is neutral and non-polar, with serine, which is neutral and polar, at codon 217 of the TNFRSF13B protein (p.Gly217Ser). This variant is present in population databases (no rsID available, gnomAD 0.006%). This missense change has been observed in individual(s) with common variable immunodeficiency (PMID: 33425813). ClinVar contains an entry for this variant (Variation ID: 1461862). An algorithm developed to predict the effect of missense changes on protein structure and function outputs the following: PolyPhen-2: "Benign". The serine amino acid residue is found in multiple mammalian species, which suggests that this missense change does not adversely affect protein function. In summary, the available evidence is currently insufficient to determine the role of this variant in disease. Therefore, it has been classified as a Variant of Uncertain Significance.

Literature cited by the submitters: PubMed 33425813.